The following is an entry in ClinVar:

GRCh38/hg38 16p13.11-12.3(chr16:15434653-18055828)x3

Genes: ABCC1 (ATP binding cassette subfamily C member 1 (ABCC1 blood group); plus strand), ABCC6 (ATP binding cassette subfamily C member 6; minus strand), BMERB1 (bMERB domain containing 1; plus strand), CEP20 (centrosomal protein 20; minus strand), MARF1 (meiosis regulator and mRNA stability factor 1; minus strand) and 61 more. Cytogenetic location: 16p13.11-12.3.
Variant type: copy number gain.
Change: copy number 3 (three copies instead of two) of chr16:15,434,653-18,055,828 (2.62 Mb, GRCh38 coordinates, 1-based), cytogenetic band 16p13.11-12.3.
Identifiers: ClinVar variation 58730 (VCV000058730.2).

ClinVar aggregate classification (germline): Uncertain significance (1 of 4 stars; one submission).

Submission:

ISCA Site 6
Classification: Uncertain significance. Last evaluated: 2011-08-12. Review status: criteria provided, single submitter. Criteria: Kaminsky et al. (Genet Med. 2011). Collection method: clinical testing. Allele origin: unknown. Affected: yes. Observed: 1 variant allele.
Comment: Copy number variation identified through the course of routine clinical cytogenomic testing in postnatal populations. Clinical assertions have been curated as described in Kaminsky et al. 2011.